The following is an entry in ClinVar:

ClinVar aggregate classification (germline): Likely benign. Review status: criteria provided, multiple submitters, no conflicts (2 of 4 stars). 6 submissions from 6 submitters: Likely benign (6). Last evaluated 2025-12-22.

Conditions:
Hereditary cancer-predisposing syndrome. Also called: Neoplastic Syndromes, Hereditary; Tumor predisposition; Hereditary neoplastic syndrome; Hereditary Cancer Syndrome. Identifiers: Orphanet 140162, MedGen C0027672, MeSH D009386, MONDO:0015356.
Familial adenomatous polyposis 2. Also called: COLORECTAL ADENOMATOUS POLYPOSIS, AUTOSOMAL RECESSIVE; ADENOMAS, MULTIPLE COLORECTAL, AUTOSOMAL RECESSIVE; MUTYH-associated polyposis; FAP type 2; MUTYH-related attenuated familial adenomatous polyposis; Adenomas, multiple colorectal. Identifiers: Orphanet 220460, Orphanet 247798, MedGen C3272841, MONDO:0012041, OMIM 608456.

Submissions (6):

Labcorp Genetics (formerly Invitae), Labcorp
Classification: Likely benign for Familial adenomatous polyposis 2. Last evaluated: 2025-12-22. Review status: criteria provided, single submitter. Criteria: Invitae Variant Classification Sherloc (09022015). Collection method: clinical testing. Allele origin: germline.

Center for Genomic Medicine, Rigshospitalet, Copenhagen University Hospital
Classification: Likely benign. Last evaluated: 2025-03-04. Review status: criteria provided, single submitter. Criteria: ACMG Guidelines, 2015. Collection method: clinical testing. Allele origin: germline.

All of Us Research Program, National Institutes of Health
Classification: Likely benign for Familial adenomatous polyposis 2. Last evaluated: 2023-12-01. Review status: criteria provided, single submitter. Criteria: ACMG Guidelines, 2015. Collection method: clinical testing. Allele origin: germline. Inheritance: Autosomal recessive inheritance. Observed: 6 variant alleles, 6 heterozygotes.
Comment: This study involves interpretation of variants in research participants for the purpose of population health screening. Participant phenotype was not available at the time of variant classification. Additional details can be found in publication PMID: 35346344, PMCID: PMC8962531

Women's Health and Genetics/Laboratory Corporation of America, LabCorp
Classification: Likely benign. Last evaluated: 2019-10-28. Review status: criteria provided, single submitter. Criteria: LabCorp Variant Classification Summary - May 2015. Collection method: clinical testing. Allele origin: germline.
Comment: Variant summary: MUTYH c.1477-9_1477-7delCTT alters a non-conserved nucleotide located close to a canonical splice site and therefore could affect mRNA splicing, leading to a significantly altered protein sequence. 4/4 computational tools predict no significant impact on normal splicing. However, these predictions have yet to be confirmed by functional studies. The variant allele was found at a frequency of 1.7e-05 in 238188 control chromosomes. The available data on variant occurrences in the general population are insufficient to allow any conclusion about variant significance. To our knowledge, no occurrence of c.1477-9_1477-7delCTT in individuals affected with MUTYH-associated Polyposis and no experimental evidence demonstrating its impact on protein function have been reported. Three clinical diagnostic laboratories have submitted clinical-significance assessments for this variant to ClinVar after 2014 without evidence for independent evaluation. All laboratories classified the variant as likely benign. Based on the evidence outlined above, the variant was classified as likely benign.

GeneDx
Classification: Likely benign. Last evaluated: 2018-04-30. Review status: criteria provided, single submitter. Criteria: GeneDx Variant Classification (06012015). Collection method: clinical testing. Allele origin: germline. Affected: yes.
Comment: This variant is considered likely benign or benign based on one or more of the following criteria: it is a conservative change, it occurs at a poorly conserved position in the protein, it is predicted to be benign by multiple in silico algorithms, and/or has population frequency not consistent with disease.

Color Diagnostics, LLC DBA Color Health
Classification: Likely benign for Hereditary cancer-predisposing syndrome. Last evaluated: 2016-09-16. Review status: criteria provided, single submitter. Criteria: ACMG Guidelines, 2015. Collection method: clinical testing. Allele origin: germline.

NM_001048174.2(MUTYH):c.1393-9_1393-7del

Gene: MUTYH (mutY DNA glycosylase; minus strand). Cytogenetic location: 1p34.1.
Variant type: Microsatellite.
Coding change: c.1393-9_1393-7del on transcript NM_001048174.2 (MANE Select); 9 bases into the intron before coding-DNA position 1393 through 7 bases into the intron before coding-DNA position 1393, 3 bases deleted (CTT; older notation c.1393-9_1393-7delCTT).
Molecular consequence: intron variant.
Genome position (GRCh38, 1-based): chr1:45,330,564-45,330,566, AAG deleted on the plus strand (CTT on the coding strand, the reverse complement: MUTYH is on the minus strand); deleting any 3 consecutive bases within chr1:45,330,564-45,330,570 gives the same sequence; the c. name uses the placement nearest the transcript's 3' end. VCF-style (leftmost placement, unchanged base first): chr1-45330563-CAAG-C. GRCh37 (hg19) VCF-style: chr1-45796235-CAAG-C.
Other names: c.1477-9_1477-7delCTT (NM_001128425.1, NM_001128425.2); c.1048-9_1048-7del (NM_001350651.2, NM_001350650.2); c.1117-9_1117-7del (NM_001293192.2, NM_001293196.2); c.1393-9_1393-7del (NM_001048171.2, NM_001048173.2, NM_001293195.2); c.1438-9_1438-7del (NM_001293190.2); c.1468-9_1468-7del (NM_012222.3); c.1477-9_1477-7del (NM_001128425.2); c.1396-9_1396-7del (NM_001048172.2); and 1 more.
Identifiers: ClinVar variation 464697 (VCV000464697.18), dbSNP rs763940868, ClinGen allele CA056606.